The following is an entry in ClinVar:

NM_018714.3(COG1):c.2666G>A (p.Arg889Gln)

Gene: COG1 (component of oligomeric golgi complex 1; plus strand). Cytogenetic location: 17q25.1.
Variant type: single nucleotide variant.
Coding change: c.2666G>A on transcript NM_018714.3 (MANE Select); coding-DNA position 2666, G replaced by A.
Protein change: p.Arg889Gln; replaces arginine 889 with glutamine.
Molecular consequence: missense variant.
Genome position (GRCh38, 1-based): chr17:73,206,754, G>A. VCF-style: chr17-73206754-G-A. GRCh37 (hg19) VCF-style: chr17-71202893-G-A.
Other names: short protein forms R889Q.
Identifiers: ClinVar variation 324975 (VCV000324975.12), dbSNP rs148773959, ClinGen allele CA8740570.
Genomic context (GRCh38, chr17:73,206,754, plus strand): 5'-CTCTTGTCTGCCAGGTTCTGTTTGGATTGGTGACTGGTACAGAGAATCAGCTCGCCCCCC[G>A]GAGCAGTACGTTCAACTCCCAAGAACCCCATAACATCCTGCCACTGGCATCCAGTCAGAT-3'
Protein context (NP_061184.1, residues 879-899): VTGTENQLAP[Arg889Gln]SSTFNSQEPH

ClinVar aggregate classification (germline): Uncertain significance. Review status: criteria provided, multiple submitters, no conflicts (2 of 4 stars). 3 submissions from 3 submitters: Uncertain significance (3). Last evaluated 2025-10-03.

Conditions:
COG1 congenital disorder of glycosylation (CDG2G). Also called: CONGENITAL DISORDER OF GLYCOSYLATION, TYPE IIg; CDG IIg; CDGII/COG1 CEREBROCOSTOMANDIBULAR-LIKE SYNDROME. Identifiers: Orphanet 263508, MedGen C2931011, MONDO:0012637, OMIM 611209.

Allele frequency attached by ClinVar (database versions not stated): ExAC 0.00003; gnomAD 0.00004 and 0.00005; gnomAD exomes 0.00004 and 0.00005; ESP Exome Variant Server 0.00008.
gnomAD v4.1: 72 of 1,611,962 alleles (0.0045%); highest among the groups gnomAD compares: Non-Finnish European, 0.0055%; 1 homozygote.

Submissions (3):

Labcorp Genetics (formerly Invitae), Labcorp
Classification: Uncertain significance for COG1 congenital disorder of glycosylation. Last evaluated: 2025-10-03. Review status: criteria provided, single submitter. Criteria: Invitae Variant Classification Sherloc (09022015). Collection method: clinical testing. Allele origin: germline.
Comment: This sequence change replaces arginine, which is basic and polar, with glutamine, which is neutral and polar, at codon 889 of the COG1 protein (p.Arg889Gln). This variant is present in population databases (rs148773959, gnomAD 0.006%). This variant has not been reported in the literature in individuals affected with COG1-related conditions. ClinVar contains an entry for this variant (Variation ID: 324975). Invitae Evidence Modeling of protein sequence and biophysical properties (such as structural, functional, and spatial information, amino acid conservation, physicochemical variation, residue mobility, and thermodynamic stability) has been performed for this missense variant. However, the output from this modeling did not meet the statistical confidence thresholds required to predict the impact of this variant on COG1 protein function. In summary, the available evidence is currently insufficient to determine the role of this variant in disease. Therefore, it has been classified as a Variant of Uncertain Significance.

Illumina Laboratory Services, Illumina
Classification: Uncertain significance for COG1 congenital disorder of glycosylation. Last evaluated: 2018-01-12. Review status: criteria provided, single submitter. Criteria: ICSL Variant Classification Criteria 13 December 2019. Collection method: clinical testing. Allele origin: germline.

Center for Pediatric Genomic Medicine, Children's Mercy Hospital and Clinics
Classification: Uncertain significance. Last evaluated: 2017-09-11. Review status: criteria provided, single submitter. Criteria: ACMG Guidelines, 2015. Collection method: clinical testing. Allele origin: germline.